The following is an entry in ClinVar:

NM_001145860.2(POP1):c.2984C>T (p.Ser995Phe)

Gene: POP1 (POP1 homolog, ribonuclease P/MRP subunit; plus strand). Cytogenetic location: 8q22.2.
Variant type: single nucleotide variant.
Coding change: c.2984C>T on transcript NM_001145860.2 (MANE Select); coding-DNA position 2984, C replaced by T.
Protein change: p.Ser995Phe; replaces serine 995 with phenylalanine.
Molecular consequence: missense variant.
Genome position (GRCh38, 1-based): chr8:98,158,180, C>T. VCF-style: chr8-98158180-C-T. GRCh37 (hg19) VCF-style: chr8-99170408-C-T.
Other names: c.2984C>T, p.Ser995Phe (NM_001145861.2, NM_015029.3); c.2984C>T (NM_015029.2); short protein forms S995F.
Identifiers: ClinVar variation 1358315 (VCV001358315.7), dbSNP rs372595102, ClinGen allele CA4820942.
Genomic context (GRCh38, chr8:98,158,180, plus strand): 5'-CTGTTGGCTGTGGAGAAGCCCTGGGGTTTGTTAGCTTGACAGGCTTGCTGGATATGCTGT[C>T]CAGCCAGCCTGCAGCGCAGAGGGGCTTAGTGCTACTGAGGCCTCCCGCCTCTCTGCAGTA-3'
Protein context (NP_001139332.1, residues 985-1005): VSLTGLLDML[Ser995Phe]SQPAAQRGLV

ClinVar aggregate classification (germline): Uncertain significance. Review status: criteria provided, multiple submitters, no conflicts (2 of 4 stars). 2 submissions from 2 submitters: Uncertain significance (2). Last evaluated 2024-11-15.

Conditions:
Inborn genetic diseases. Identifiers: MedGen C0950123, MeSH D030342.

Allele frequency attached by ClinVar (database versions not stated): gnomAD exomes 0.00002; ExAC 0.00003; ESP Exome Variant Server 0.00008; TOPMed 0.00010; gnomAD 0.00012 and 0.00013; 1000 Genomes Project 30x 0.00031; 1000 Genomes Project 0.00040.
gnomAD v4.1: 41 of 1,611,490 alleles (0.0025%); highest among the groups gnomAD compares: African/African-American, 0.051%; no homozygotes.

Submissions (2):

Ambry Genetics
Classification: Uncertain significance for Inborn genetic diseases. Last evaluated: 2024-11-15. Review status: criteria provided, single submitter. Criteria: Ambry Variant Classification Scheme 2023. Collection method: clinical testing. Allele origin: germline.

Labcorp Genetics (formerly Invitae), Labcorp
Classification: Uncertain significance. Last evaluated: 2022-07-19. Review status: criteria provided, single submitter. Criteria: Invitae Variant Classification Sherloc (09022015). Collection method: clinical testing. Allele origin: germline.
Comment: This sequence change replaces serine, which is neutral and polar, with phenylalanine, which is neutral and non-polar, at codon 995 of the POP1 protein (p.Ser995Phe). This variant is present in population databases (rs372595102, gnomAD 0.04%). This variant has not been reported in the literature in individuals affected with POP1-related conditions. ClinVar contains an entry for this variant (Variation ID: 1358315). Algorithms developed to predict the effect of missense changes on protein structure and function (SIFT, PolyPhen-2, Align-GVGD) all suggest that this variant is likely to be tolerated. In summary, the available evidence is currently insufficient to determine the role of this variant in disease. Therefore, it has been classified as a Variant of Uncertain Significance.